The following is an entry in ClinVar:

NM_052813.5(CARD9):c.209G>A (p.Arg70Gln)

Gene: CARD9 (caspase recruitment domain family member 9; minus strand). Cytogenetic location: 9q34.3.
Variant type: single nucleotide variant.
Coding change: c.209G>A on transcript NM_052813.5 (MANE Select); coding-DNA position 209, G replaced by A.
Protein change: p.Arg70Gln; replaces arginine 70 with glutamine.
Molecular consequence: missense variant.
Genome position (GRCh38, 1-based): chr9:136,371,437, C>T on the plus strand (G>A on the coding strand, the complement: CARD9 is on the minus strand). VCF-style: chr9-136371437-C-T. GRCh37 (hg19) VCF-style: chr9-139265889-C-T.
Other names: c.209G>A, p.Arg70Gln (NM_052814.4); short protein forms R70Q.
Identifiers: ClinVar variation 1047497 (VCV001047497.7), dbSNP rs376793464, ClinGen allele CA5333214.
Genomic context (GRCh38, chr9:136,371,437, plus strand): 5'-AGCTGCGGGTAGTAGAGCTCCAGGCTCTCGAGGAAGGCCACGTAGCCCTTGTGGCCGGTC[C>T]GCTGCAGGATGTCCAGGAGCACACCTGCGGGCCAGAGAGGCCTAACTGGGGGCGGGGCAC-3'
Protein context (NP_434700.2, residues 60-80): KVGVLLDILQ[Arg70Gln]TGHKGYVAFL

ClinVar aggregate classification (germline): Uncertain significance (1 of 4 stars; one submission).

Conditions:
Predisposition to invasive fungal disease due to CARD9 deficiency (IMD103). Also called: CARD9 IMMUNODEFICIENCY; IMMUNODEFICIENCY 103, SUSCEPTIBILITY TO FUNGAL INFECTIONS; Candidiasis, familial, 2, autosomal recessive. Identifiers: Orphanet 457088, MedGen C1859353, MONDO:0008905, OMIM 212050.

Allele frequency attached by ClinVar (database versions not stated): gnomAD 0.00004; gnomAD exomes 0.00005; TOPMed 0.00005; ESP Exome Variant Server 0.00008.
gnomAD v4.1: 80 of 1,580,160 alleles (0.0051%); highest among the groups gnomAD compares: Admixed American, 0.013%; no homozygotes.

Submission:

Labcorp Genetics (formerly Invitae), Labcorp
Classification: Uncertain significance for Predisposition to invasive fungal disease due to CARD9 deficiency. Last evaluated: 2022-03-23. Review status: criteria provided, single submitter. Criteria: Invitae Variant Classification Sherloc (09022015). Collection method: clinical testing. Allele origin: germline.
Comment: This sequence change replaces arginine, which is basic and polar, with glutamine, which is neutral and polar, at codon 70 of the CARD9 protein (p.Arg70Gln). This variant is present in population databases (rs376793464, gnomAD 0.01%). This variant has not been reported in the literature in individuals affected with CARD9-related conditions. ClinVar contains an entry for this variant (Variation ID: 1047497). Algorithms developed to predict the effect of missense changes on protein structure and function (SIFT, PolyPhen-2, Align-GVGD) all suggest that this variant is likely to be disruptive. Algorithms developed to predict the effect of sequence changes on RNA splicing suggest that this variant may create or strengthen a splice site. This variant disrupts the p.Arg70 amino acid residue in CARD9. Other variant(s) that disrupt this residue have been determined to be pathogenic (PMID: 25702837, 26961233, 30429846). This suggests that this residue is clinically significant, and that variants that disrupt this residue are likely to be disease-causing. In summary, the available evidence is currently insufficient to determine the role of this variant in disease. Therefore, it has been classified as a Variant of Uncertain Significance.

Literature cited by the submitters: PubMed 25702837; PubMed 26961233; PubMed 30429846.